The following is an entry in ClinVar:

NM_001035.3(RYR2):c.11880+3_11880+6del

Gene: RYR2 (ryanodine receptor 2; plus strand). Cytogenetic location: 1q43.
Variant type: Deletion.
Coding change: c.11880+3_11880+6del on transcript NM_001035.3 (MANE Select); bases 3 to 6 of the intron after coding-DNA position 11880, 4 bases deleted (AAAC; older notation c.11880+3_11880+6delAAAC).
Molecular consequence: intron variant.
Genome position (GRCh38, 1-based): chr1:237,778,773-237,778,776, AAAC deleted. VCF-style (leftmost placement, unchanged base first): chr1-237778772-TAAAC-T. GRCh37 (hg19) VCF-style: chr1-237942072-TAAAC-T.
Identifiers: ClinVar variation 1039277 (VCV001039277.10), dbSNP rs1694864201, ClinGen allele CA2487480133.
Genomic context (GRCh38, chr1:237,778,772, plus strand): 5'-GGGATGCTGTGGTCGGCTTTCTTCATGTGTTTGCCCATATGCAGATGAAGCTGTCGCAGG[TAAAC>T]TAACTAACTGCCTTCCTCTCTCTTAAATGACAAACTGGAGACTGTAATCATCAGCAAATT-3'

ClinVar aggregate classification (germline): Uncertain significance. Review status: criteria provided, multiple submitters, no conflicts (2 of 4 stars). 2 submissions from 2 submitters: Uncertain significance (2). Last evaluated 2020-06-16.

Conditions:
Cardiovascular phenotype. Identifiers: MedGen CN230736.
Catecholaminergic polymorphic ventricular tachycardia 1. Also called: VENTRICULAR TACHYCARDIA, CATECHOLAMINERGIC POLYMORPHIC, 1, WITH OR WITHOUT ATRIAL DYSFUNCTION AND/OR DILATED CARDIOMYOPATHY; VENTRICULAR TACHYCARDIA, STRESS-INDUCED POLYMORPHIC 1; RYR2-Related Catecholaminergic Polymorphic Ventricular Tachycardia. Identifiers: Orphanet 3286, MedGen C1631597, MONDO:0011484, OMIM 604772.

Submissions (2):

Labcorp Genetics (formerly Invitae), Labcorp
Classification: Uncertain significance for Catecholaminergic polymorphic ventricular tachycardia 1. Last evaluated: 2020-06-16. Review status: criteria provided, single submitter. Criteria: Invitae Variant Classification Sherloc (09022015). Collection method: clinical testing. Allele origin: germline.
Comment: This variant has not been reported in the literature in individuals with RYR2-related conditions. In summary, the available evidence is currently insufficient to determine the role of this variant in disease. Therefore, it has been classified as a Variant of Uncertain Significance. Nucleotide substitutions within the consensus splice site are a relatively common cause of aberrant splicing (PMID: 17576681, 9536098). Algorithms developed to predict the effect of sequence changes on RNA splicing suggest that this variant may disrupt the consensus splice site, but this prediction has not been confirmed by published transcriptional studies. This variant is not present in population databases (ExAC no frequency). This sequence change falls in intron 88 of the RYR2 gene. It does not directly change the encoded amino acid sequence of the RYR2 protein, but it affects a nucleotide within the consensus splice site of the intron.

Ambry Genetics
Classification: Uncertain significance for Cardiovascular phenotype. Last evaluated: 2018-12-10. Review status: criteria provided, single submitter. Criteria: Ambry Variant Classification Scheme 2023. Collection method: clinical testing. Allele origin: germline.
Comment: The c.11880+3_11880+6delAAAC intronic variant, located in intron 88 of the RYR2 gene, results from a deletion of 4 nucleotides at positions c.11880+3 to c.11880+6. These nucleotide positions are not well conserved in available vertebrate species. Using the BDGP and ESEfinder splice site prediction tools, this alteration is predicted to weaken the efficiency of the native splice donor site; however, direct evidence is unavailable. Since supporting evidence is limited at this time, the clinical significance of this alteration remains unclear.

Literature cited by the submitters: PubMed 17576681 (cited by Labcorp Genetics (formerly Invitae), Labcorp); PubMed 9536098 (cited by Labcorp Genetics (formerly Invitae), Labcorp).